The following is an entry in ClinVar:

NM_001035.3(RYR2):c.4784T>G (p.Leu1595Arg)

Gene: RYR2 (ryanodine receptor 2; plus strand). Cytogenetic location: 1q43.
Variant type: single nucleotide variant.
Coding change: c.4784T>G on transcript NM_001035.3 (MANE Select); coding-DNA position 4784, T replaced by G.
Protein change: p.Leu1595Arg; replaces leucine 1595 with arginine.
Molecular consequence: missense variant.
Genome position (GRCh38, 1-based): chr1:237,610,862, T>G. VCF-style: chr1-237610862-T-G. GRCh37 (hg19) VCF-style: chr1-237774162-T-G.
Other names: short protein forms L1595R.
Identifiers: ClinVar variation 3069581 (VCV003069581.1), dbSNP rs2546766891, ClinGen allele CA345402536.

ClinVar aggregate classification (germline): Uncertain significance (1 of 4 stars; one submission).

Conditions:
Catecholaminergic polymorphic ventricular tachycardia (CVPT). Also called: Catecholamine-induced polymorphic ventricular tachycardia. Identifiers: Orphanet 3286, MedGen C5574922, MONDO:0017990.

Submission:

All of Us Research Program, National Institutes of Health
Classification: Uncertain significance for Catecholaminergic polymorphic ventricular tachycardia. Last evaluated: 2023-02-24. Review status: criteria provided, single submitter. Criteria: ACMG Guidelines, 2015. Collection method: clinical testing. Allele origin: germline. Inheritance: Autosomal dominant inheritance. Observed: 1 variant allele, 1 heterozygote.
Comment: This missense variant replaces leucine with arginine at codon 1595 of the RYR2 protein. Computational prediction is inconclusive regarding the impact of this variant on protein structure and function (internally defined REVEL score threshold 0.5 < inconclusive < 0.7, PMID: 27666373). To our knowledge, functional studies have not been reported for this variant. This variant has not been reported in individuals affected with RYR2-related disorders in the literature. This variant has not been identified in the general population by the Genome Aggregation Database (gnomAD). The available evidence is insufficient to determine the role of this variant in disease conclusively. Therefore, this variant is classified as a Variant of Uncertain Significance.

This study involves interpretation of variants in research participants for the purpose of population health screening. Participant phenotype was not available at the time of variant classification. Additional details can be found in publication PMID: 35346344, PMCID: PMC8962531